The following is an entry in ClinVar:

ClinVar aggregate classification (germline): Uncertain significance (1 of 4 stars; one submission).

Conditions:
Familial cold autoinflammatory syndrome 3 (FCAS3). Also called: ANTIBODY DEFICIENCY AND IMMUNE DYSREGULATION, PLCG2-ASSOCIATED; FAMILIAL ATYPICAL COLD URTICARIA. Identifiers: Orphanet 300359, MedGen C3280914, MONDO:0013766, OMIM 614468.

Allele frequency attached by ClinVar (database versions not stated): gnomAD 0.00001; gnomAD exomes 0.00001; ExAC 0.00002; TOPMed 0.00002.
gnomAD v4.1: 12 of 1,608,130 alleles (0.00075%); highest among the groups gnomAD compares: South Asian, 0.0099%; no homozygotes.

Submission:

Labcorp Genetics (formerly Invitae), Labcorp
Classification: Uncertain significance for Familial cold autoinflammatory syndrome 3. Last evaluated: 2023-09-21. Review status: criteria provided, single submitter. Criteria: Invitae Variant Classification Sherloc (09022015). Collection method: clinical testing. Allele origin: germline.
Comment: This sequence change replaces lysine, which is basic and polar, with arginine, which is basic and polar, at codon 1159 of the PLCG2 protein (p.Lys1159Arg). This variant is present in population databases (rs761099902, gnomAD 0.01%). This variant has not been reported in the literature in individuals affected with PLCG2-related conditions. Algorithms developed to predict the effect of missense changes on protein structure and function output the following: SIFT: "Not Available"; PolyPhen-2: "Benign"; Align-GVGD: "Not Available". The arginine amino acid residue is found in multiple mammalian species, which suggests that this missense change does not adversely affect protein function. In summary, the available evidence is currently insufficient to determine the role of this variant in disease. Therefore, it has been classified as a Variant of Uncertain Significance.

NM_002661.5(PLCG2):c.3476A>G (p.Lys1159Arg)

Gene: PLCG2 (phospholipase C gamma 2; plus strand). Cytogenetic location: 16q23.3.
Variant type: single nucleotide variant.
Coding change: c.3476A>G on transcript NM_002661.5 (MANE Select); coding-DNA position 3476, A replaced by G.
Protein change: p.Lys1159Arg; replaces lysine 1159 with arginine.
Molecular consequence: missense variant.
Genome position (GRCh38, 1-based): chr16:81,940,054, A>G. VCF-style: chr16-81940054-A-G. GRCh37 (hg19) VCF-style: chr16-81973659-A-G.
Other names: c.3476A>G, p.Lys1159Arg (NM_001425749.1, NM_001425750.1, NM_001425751.1); short protein forms K1159R.
Identifiers: ClinVar variation 2964987 (VCV002964987.3), dbSNP rs761099902, ClinGen allele CA8194719.